The following is an entry in ClinVar:

ClinVar aggregate classification (germline): Uncertain significance (1 of 4 stars; one submission).

Conditions:
Spastic paraplegia. Identifiers: MedGen C0037772, HP:0001258.

Allele frequency attached by ClinVar (database versions not stated): gnomAD exomes below 0.00001; TOPMed 0.00001.
gnomAD v4.1: 2 of 1,613,874 alleles (0.00012%); highest among the groups gnomAD compares: Non-Finnish European, 0.00017%; no homozygotes.

Submission:

Labcorp Genetics (formerly Invitae), Labcorp
Classification: Uncertain significance for Spastic paraplegia. Last evaluated: 2021-09-24. Review status: criteria provided, single submitter. Criteria: Invitae Variant Classification Sherloc (09022015). Collection method: clinical testing. Allele origin: germline.
Comment: This sequence change replaces serine with glycine at codon 1541 of the ZFYVE26 protein (p.Ser1541Gly). The serine residue is moderately conserved and there is a small physicochemical difference between serine and glycine. This variant is not present in population databases (ExAC no frequency). This variant has not been reported in the literature in individuals with ZFYVE26-related conditions. Algorithms developed to predict the effect of missense changes on protein structure and function (SIFT, PolyPhen-2, Align-GVGD) all suggest that this variant is likely to be tolerated, but these predictions have not been confirmed by published functional studies and their clinical significance is uncertain. In summary, the available evidence is currently insufficient to determine the role of this variant in disease. Therefore, it has been classified as a Variant of Uncertain Significance.

NM_015346.4(ZFYVE26):c.4621A>G (p.Ser1541Gly)

Gene: ZFYVE26 (zinc finger FYVE-type containing 26; minus strand). Cytogenetic location: 14q24.1.
Variant type: single nucleotide variant.
Coding change: c.4621A>G on transcript NM_015346.4 (MANE Select); coding-DNA position 4621, A replaced by G.
Protein change: p.Ser1541Gly; replaces serine 1541 with glycine.
Molecular consequence: missense variant.
Genome position (GRCh38, 1-based): chr14:67,780,294, T>C on the plus strand (A>G on the coding strand, the complement: ZFYVE26 is on the minus strand). VCF-style: chr14-67780294-T-C. GRCh37 (hg19) VCF-style: chr14-68247011-T-C.
Other names: short protein forms S1541G.
Identifiers: ClinVar variation 2419776 (VCV002419776.3), dbSNP rs1457267461, ClinGen allele CA390169396.